The following is an entry in ClinVar:

NM_018082.6(POLR3B):c.1976T>C (p.Ile659Thr)

Gene: POLR3B (RNA polymerase III subunit B; plus strand). Cytogenetic location: 12q23.3.
Variant type: single nucleotide variant.
Coding change: c.1976T>C on transcript NM_018082.6 (MANE Select); coding-DNA position 1976, T replaced by C.
Protein change: p.Ile659Thr; replaces isoleucine 659 with threonine.
Molecular consequence: missense variant.
Genome position (GRCh38, 1-based): chr12:106,444,483, T>C. VCF-style: chr12-106444483-T-C. GRCh37 (hg19) VCF-style: chr12-106838261-T-C.
Other names: c.1802T>C, p.Ile601Thr (NM_001160708.2); short protein forms I659T, I601T.
Identifiers: ClinVar variation 2176890 (VCV002176890.4), dbSNP rs142094821, ClinGen allele CA6762093.

ClinVar aggregate classification (germline): Uncertain significance (1 of 4 stars; one submission).

Allele frequency attached by ClinVar (database versions not stated): gnomAD exomes 0.00002; ExAC 0.00004; ESP Exome Variant Server 0.00008; gnomAD 0.00011; TOPMed 0.00014.
gnomAD v4.1: 47 of 1,613,858 alleles (0.0029%); highest among the groups gnomAD compares: African/African-American, 0.032%; no homozygotes.

Submission:

Labcorp Genetics (formerly Invitae), Labcorp
Classification: Uncertain significance. Last evaluated: 2023-02-01. Review status: criteria provided, single submitter. Criteria: Invitae Variant Classification Sherloc (09022015). Collection method: clinical testing. Allele origin: germline.
Comment: This variant has not been reported in the literature in individuals affected with POLR3B-related conditions. Advanced modeling of protein sequence and biophysical properties (such as structural, functional, and spatial information, amino acid conservation, physicochemical variation, residue mobility, and thermodynamic stability) performed at Invitae indicates that this missense variant is expected to disrupt POLR3B protein function. In summary, the available evidence is currently insufficient to determine the role of this variant in disease. Therefore, it has been classified as a Variant of Uncertain Significance. This variant is present in population databases (rs142094821, gnomAD 0.05%). This sequence change replaces isoleucine, which is neutral and non-polar, with threonine, which is neutral and polar, at codon 659 of the POLR3B protein (p.Ile659Thr).